The following is an entry in ClinVar:

ClinVar aggregate classification (germline): Uncertain significance (1 of 4 stars; one submission).

Conditions:
ROBO4-related disorder. Also called: ROBO4-related condition.

Submission:

PreventionGenetics, part of Exact Sciences
Classification: Uncertain significance for ROBO4-related condition. Last evaluated: 2025-08-24. Review status: criteria provided, single submitter. Criteria: ACMG Guidelines, 2015. Collection method: clinical testing. Allele origin: germline.
Comment: The ROBO4 c.178C>A variant is predicted to result in the amino acid substitution p.Pro60Thr. To our knowledge, this variant has not been reported in the literature or in a large population database (gnomAD), indicating this variant is rare. At this time, the clinical significance of this variant is uncertain due to the absence of conclusive functional and genetic evidence.

NM_019055.6(ROBO4):c.178C>A (p.Pro60Thr)

Gene: ROBO4 (roundabout guidance receptor 4; minus strand). Cytogenetic location: 11q24.2.
Variant type: single nucleotide variant.
Coding change: c.178C>A on transcript NM_019055.6 (MANE Select); coding-DNA position 178, C replaced by A.
Protein change: p.Pro60Thr; replaces proline 60 with threonine.
Molecular consequence: missense variant. On other transcripts: intron variant (1).
Genome position (GRCh38, 1-based): chr11:124,897,154, G>T on the plus strand (C>A on the coding strand, the complement: ROBO4 is on the minus strand). VCF-style: chr11-124897154-G-T. GRCh37 (hg19) VCF-style: chr11-124767050-G-T.
Other names: c.178C>A, p.Pro60Thr (NM_001441183.1); c.-159-99C>A (NM_001301088.2); short protein forms P60T.
Identifiers: ClinVar variation 4999472 (VCV004999472.1).